The following is an entry in ClinVar:

ClinVar aggregate classification (germline): Uncertain significance (1 of 4 stars; one submission).

Conditions:
Inborn genetic diseases. Identifiers: MedGen C0950123, MeSH D030342.

gnomAD v4.1: 2 of 1,607,570 alleles (0.00012%); highest among the groups gnomAD compares: Admixed American, 0.0017%; no homozygotes.

Submission:

Ambry Genetics
Classification: Uncertain significance for Inborn genetic diseases. Last evaluated: 2025-01-23. Review status: criteria provided, single submitter. Criteria: Ambry Variant Classification Scheme 2023. Collection method: clinical testing. Allele origin: germline.
Comment: The p.T573A variant (also known as c.1717A>G), located in coding exon 7 of the SH2B3 gene, results from an A to G substitution at nucleotide position 1717. The threonine at codon 573 is replaced by alanine, an amino acid with similar properties. This amino acid position is conserved. In addition, the in silico prediction for this alteration is inconclusive. Based on the available evidence, the clinical significance of this variant remains unclear.

NM_005475.3(SH2B3):c.1717A>G (p.Thr573Ala)

Gene: SH2B3 (SH2B adaptor protein 3; plus strand). Cytogenetic location: 12q24.12.
Variant type: single nucleotide variant.
Coding change: c.1717A>G on transcript NM_005475.3 (MANE Select); coding-DNA position 1717, A replaced by G.
Protein change: p.Thr573Ala; replaces threonine 573 with alanine.
Molecular consequence: missense variant.
Genome position (GRCh38, 1-based): chr12:111,448,291, A>G. VCF-style: chr12-111448291-A-G. GRCh37 (hg19) VCF-style: chr12-111886095-A-G.
Other names: c.1111A>G, p.Thr371Ala (NM_001291424.1); short protein forms T371A, T573A.
Identifiers: ClinVar variation 3795130 (VCV003795130.1).